The following is an entry in ClinVar:

NM_006180.6(NTRK2):c.604G>T (p.Ala202Ser)

Gene: NTRK2 (neurotrophic receptor tyrosine kinase 2; plus strand). Cytogenetic location: 9q21.33.
Variant type: single nucleotide variant.
Coding change: c.604G>T on transcript NM_006180.6 (MANE Select); coding-DNA position 604, G replaced by T.
Protein change: p.Ala202Ser; replaces alanine 202 with serine.
Molecular consequence: missense variant.
Genome position (GRCh38, 1-based): chr9:84,723,593, G>T. VCF-style: chr9-84723593-G-T. GRCh37 (hg19) VCF-style: chr9-87338508-G-T.
Other names: c.604G>T, p.Ala202Ser (NM_001369541.1, NM_001369542.1, NM_001369543.1 and 19 more transcripts); c.136G>T, p.Ala46Ser (NM_001369550.1, NM_001369535.1, NM_001369536.1 and 2 more transcripts); short protein forms A46S, A202S.
Identifiers: ClinVar variation 2742891 (VCV002742891.3), dbSNP rs2492042280, ClinGen allele CA374006900.

ClinVar aggregate classification (germline): Uncertain significance (1 of 4 stars; one submission).

Submission:

Labcorp Genetics (formerly Invitae), Labcorp
Classification: Uncertain significance. Last evaluated: 2023-12-11. Review status: criteria provided, single submitter. Criteria: Invitae Variant Classification Sherloc (09022015). Collection method: clinical testing. Allele origin: germline.
Comment: This sequence change replaces alanine, which is neutral and non-polar, with serine, which is neutral and polar, at codon 202 of the NTRK2 protein (p.Ala202Ser). This variant is not present in population databases (gnomAD no frequency). This variant has not been reported in the literature in individuals affected with NTRK2-related conditions. Advanced modeling of protein sequence and biophysical properties (such as structural, functional, and spatial information, amino acid conservation, physicochemical variation, residue mobility, and thermodynamic stability) performed at Invitae indicates that this missense variant is not expected to disrupt NTRK2 protein function with a negative predictive value of 80%. In summary, the available evidence is currently insufficient to determine the role of this variant in disease. Therefore, it has been classified as a Variant of Uncertain Significance.